The following is an entry in ClinVar:

NM_000018.4(ACADVL):c.337T>A (p.Phe113Ile)

Gene: ACADVL (acyl-CoA dehydrogenase very long chain; plus strand). Cytogenetic location: 17p13.1.
Variant type: single nucleotide variant.
Coding change: c.337T>A on transcript NM_000018.4 (MANE Select); coding-DNA position 337, T replaced by A.
Protein change: p.Phe113Ile; replaces phenylalanine 113 with isoleucine.
Molecular consequence: missense variant.
Genome position (GRCh38, 1-based): chr17:7,220,825, T>A. VCF-style: chr17-7220825-T-A. GRCh37 (hg19) VCF-style: chr17-7124144-T-A.
Other names: c.271T>A, p.Phe91Ile (NM_001033859.3); c.406T>A, p.Phe136Ile (NM_001270447.2); c.109T>A, p.Phe37Ile (NM_001270448.2); short protein forms F136I, F91I, F113I, F37I.
Identifiers: ClinVar variation 2028394 (VCV002028394.4), dbSNP rs1567561598, ClinGen allele CA397722612.

ClinVar aggregate classification (germline): Likely pathogenic (1 of 4 stars; one submission).

Conditions:
Very long chain acyl-CoA dehydrogenase deficiency (ACADVLD). Also called: Very Long-Chain Acyl-Coenzyme A Dehydrogenase Deficiency; VLCAD Deficiency. Identifiers: Orphanet 26793, MedGen C3887523, MONDO:0008723, OMIM 201475.

Submission:

Labcorp Genetics (formerly Invitae), Labcorp
Classification: Likely pathogenic for Very long chain acyl-CoA dehydrogenase deficiency. Last evaluated: 2023-09-27. Review status: criteria provided, single submitter. Criteria: Invitae Variant Classification Sherloc (09022015). Collection method: clinical testing. Allele origin: germline.
Comment: This sequence change replaces phenylalanine, which is neutral and non-polar, with isoleucine, which is neutral and non-polar, at codon 113 of the ACADVL protein (p.Phe113Ile). This variant is not present in population databases (gnomAD no frequency). This variant has not been reported in the literature in individuals affected with ACADVL-related conditions. ClinVar contains an entry for this variant (Variation ID: 2028394). Advanced modeling of protein sequence and biophysical properties (such as structural, functional, and spatial information, amino acid conservation, physicochemical variation, residue mobility, and thermodynamic stability) performed at Invitae indicates that this missense variant is expected to disrupt ACADVL protein function. This variant disrupts the p.Phe113 amino acid residue in ACADVL. Other variant(s) that disrupt this residue have been determined to be pathogenic (PMID: 21932095, 30194637). This suggests that this residue is clinically significant, and that variants that disrupt this residue are likely to be disease-causing. In summary, the currently available evidence indicates that the variant is pathogenic, but additional data are needed to prove that conclusively. Therefore, this variant has been classified as Likely Pathogenic.

Literature cited by the submitters: PubMed 21932095; PubMed 30194637.